The following is an entry in ClinVar:

NM_001079668.3(NKX2-1):c.253C>T (p.Gln85Ter)

Genes: NKX2-1 (NK2 homeobox 1; minus strand), SFTA3 (surfactant associated 3; minus strand). Cytogenetic location: 14q13.3.
Variant type: single nucleotide variant.
Coding change: c.253C>T on transcript NM_001079668.3 (MANE Select); coding-DNA position 253, C replaced by T.
Protein change: p.Gln85Ter; replaces glutamine 85 with a stop codon.
Molecular consequence: nonsense.
Genome position (GRCh38, 1-based): chr14:36,519,195, G>A on the plus strand (C>T on the coding strand, the complement: NKX2-1 is on the minus strand). VCF-style: chr14-36519195-G-A. GRCh37 (hg19) VCF-style: chr14-36988400-G-A.
Other names: c.163C>T, p.Gln55Ter (NM_003317.4); short protein forms Q55*, Q85*.
Identifiers: ClinVar variation 4849975 (VCV004849975.1).

ClinVar aggregate classification (germline): Likely pathogenic (1 of 4 stars; one submission).

Conditions:
Benign hereditary chorea (BHC). Also called: HEREDITARY PROGRESSIVE CHOREA WITHOUT DEMENTIA; Benign Hereditary Chorea (BHC). Identifiers: Orphanet 1429, MedGen C0393584, MONDO:0021011, OMIM 118700.

Submission:

Variantyx, Inc.
Classification: Likely pathogenic for Benign hereditary chorea. Last evaluated: 2025-10-07. Review status: criteria provided, single submitter. Criteria: Variantyx Assertion Criteria 2022. Collection method: clinical testing. Allele origin: germline. Inheritance: Autosomal dominant inheritance. Affected: no.
Comment: This is a nonsense variant in the NKX2-1 gene (OMIM: 600635). Pathogenic variants in this gene have been associated with autosomal dominant benign hereditary chorea. This variant introduces a premature termination codon in exon 2 out of 3 and is expected to result in loss of function, which is a known disease mechanism for NKX2-1 in this disorder (PMID: 22832740, 30352709, 30746413) (PVS1). This variant is absent from control populations (PM2), and it has not been reported in individuals with NKX2-1-related disorders in the databases available for review. Based on the current evidence, this variant is classified as likely pathogenic for autosomal dominant benign hereditary chorea.

Literature cited by the submitters: PubMed 22832740; PubMed 30352709; PubMed 30746413.